The following is an entry in ClinVar:

NM_175914.5(HNF4A):c.1000C>T (p.Gln334Ter)

Gene: HNF4A (hepatocyte nuclear factor 4 alpha; plus strand). Cytogenetic location: 20q13.12.
Variant type: single nucleotide variant.
Coding change: c.1000C>T on transcript NM_175914.5 (MANE Select); coding-DNA position 1000, C replaced by T.
Protein change: p.Gln334Ter; replaces glutamine 334 with a stop codon.
Molecular consequence: nonsense.
Genome position (GRCh38, 1-based): chr20:44,424,191, C>T. VCF-style: chr20-44424191-C-T. GRCh37 (hg19) VCF-style: chr20-43052831-C-T.
Other names: NM_175914.5:c.1000C>T; c.1066C>T, p.Gln356Ter (NM_000457.6, NM_178849.3, NM_178850.3); c.1000C>T, p.Gln334Ter (NM_001030003.3, NM_001030004.3); c.1045C>T, p.Gln349Ter (NM_001258355.2); c.991C>T, p.Gln331Ter (NM_001287182.2, NM_001287183.2, NM_001287184.2); short protein forms Q331*, Q334*, Q349*, Q356*.
Identifiers: ClinVar variation 3383937 (VCV003383937.1).

ClinVar aggregate classification (germline): Pathogenic (3 of 4 stars; one submission).

Conditions:
Monogenic diabetes. Identifiers: Orphanet 183625, MedGen C3888631, MONDO:0015967.

Submission:

ClinGen Monogenic Diabetes Variant Curation Expert Panel
Classification: Pathogenic for Monogenic diabetes. Last evaluated: 2024-11-27. Review status: reviewed by expert panel. Criteria: ClinGen Diabetes ACMG Specifications HNF4A V2.0.0. Collection method: curation. Allele origin: germline. Inheritance: Autosomal dominant inheritance.
Comment: The c.1000C>T variant in the HNF4 homeobox A gene, HNF4A, results in a premature termination at codon 334 (p.(Gln334Ter)) of NM_175914.5. This variant, located in biologically-relevant exon 8 of 10, is predicted to lead to nonsense mediated decay in a gene in which loss-of-function is an established disease mechanism (PVS1; PMID: 23348805). This variant is absent from gnomAD v2.1.1 (PM2_Supporting). This variant segregated with diabetes with 5 informative meioses in a single family (PP1_Strong; internal lab contributors). This variant was identified in two unrelated individuals with non-autoimmune and non-absolute/near-absolute insulin-deficient diabetes; however, PS4_Moderate cannot be applied because this number is below the ClinGen MDEP threshold (PMIDs: 23348805, 36257325). In summary, c.1000C>T meets the criteria to be classified as pathogenic for monogenic diabetes. ACMG/AMP criteria applied, as specified by the ClinGen MDEP (specification version 2.0.0, approved 10/11/2023): PVS1, PM2_Supporting, PP1_Strong.